The following is an entry in ClinVar:

ClinVar aggregate classification (germline): Uncertain significance. Review status: criteria provided, multiple submitters, no conflicts (2 of 4 stars). 3 submissions from 3 submitters: Uncertain significance (3). Last evaluated 2024-02-28.

Conditions:
Hereditary cancer-predisposing syndrome. Also called: Tumor predisposition; Hereditary neoplastic syndrome; Neoplastic Syndromes, Hereditary; Hereditary Cancer Syndrome. Identifiers: Orphanet 140162, MedGen C0027672, MeSH D009386, MONDO:0015356.
Ataxia-telangiectasia syndrome (AT). Also called: Ataxia-telangiectasia, complementation group D; AT, COMPLEMENTATION GROUP C; ATAXIA-TELANGIECTASIA, COMPLEMENTATION GROUP A; ATAXIA-TELANGIECTASIA, FRESNO VARIANT; Ataxia-telangiectasia; LOUIS-BAR SYNDROME. Identifiers: Orphanet 100, MedGen C0004135, MONDO:0008840, OMIM 208900.

Allele frequency attached by ClinVar (database versions not stated): TOPMed 0.00001.

Submissions (3):

Ambry Genetics
Classification: Uncertain significance for Hereditary cancer-predisposing syndrome. Last evaluated: 2024-02-28. Review status: criteria provided, single submitter. Criteria: Ambry Variant Classification Scheme 2023. Collection method: clinical testing. Allele origin: germline.
Comment: The p.S2199Y variant (also known as c.6596C>A), located in coding exon 45 of the ATM gene, results from a C to A substitution at nucleotide position 6596. The serine at codon 2199 is replaced by tyrosine, an amino acid with dissimilar properties. This amino acid position is not well conserved in available vertebrate species. In addition, this alteration is predicted to be tolerated by in silico analysis. Based on the available evidence, the clinical significance of this alteration remains unclear.

GeneDx
Classification: Uncertain significance. Last evaluated: 2023-04-27. Review status: criteria provided, single submitter. Criteria: GeneDx Variant Classification Process June 2021. Collection method: clinical testing. Allele origin: germline. Affected: yes.
Comment: Not observed at significant frequency in large population cohorts (gnomAD); In silico analysis supports that this missense variant does not alter protein structure/function; Has not been previously published as pathogenic or benign to our knowledge; This variant is associated with the following publications: (PMID: 23532176)

Labcorp Genetics (formerly Invitae), Labcorp
Classification: Uncertain significance for Ataxia-telangiectasia syndrome. Last evaluated: 2022-07-02. Review status: criteria provided, single submitter. Criteria: Invitae Variant Classification Sherloc (09022015). Collection method: clinical testing. Allele origin: germline.
Comment: This sequence change replaces serine, which is neutral and polar, with tyrosine, which is neutral and polar, at codon 2199 of the ATM protein (p.Ser2199Tyr). This variant is not present in population databases (gnomAD no frequency). This variant has not been reported in the literature in individuals affected with ATM-related conditions. ClinVar contains an entry for this variant (Variation ID: 652521). Advanced modeling of protein sequence and biophysical properties (such as structural, functional, and spatial information, amino acid conservation, physicochemical variation, residue mobility, and thermodynamic stability) performed at Invitae indicates that this missense variant is not expected to disrupt ATM protein function. In summary, the available evidence is currently insufficient to determine the role of this variant in disease. Therefore, it has been classified as a Variant of Uncertain Significance.

NM_000051.4(ATM):c.6596C>A (p.Ser2199Tyr)

Genes: ATM (ATM serine/threonine kinase; plus strand), C11orf65 (chromosome 11 open reading frame 65; minus strand). Cytogenetic location: 11q22.3.
Variant type: single nucleotide variant.
Coding change: c.6596C>A on transcript NM_000051.4 (MANE Select); coding-DNA position 6596, C replaced by A.
Protein change: p.Ser2199Tyr; replaces serine 2199 with tyrosine.
Molecular consequence: missense variant. On other transcripts: intron variant (2).
Genome position (GRCh38, 1-based): chr11:108,325,333, C>A. VCF-style: chr11-108325333-C-A. GRCh37 (hg19) VCF-style: chr11-108196060-C-A.
Other names: c.6596C>A, p.Ser2199Tyr (NM_001351834.2); c.641-16262G>T (NM_001330368.2); c.*38+9887G>T (NM_001351110.2); short protein forms S2199Y.
Identifiers: ClinVar variation 652521 (VCV000652521.14), dbSNP rs1591128462, ClinGen allele CA382554691.